The following is an entry in ClinVar:

NM_001943.5(DSG2):c.1768G>C (p.Val590Leu)

Gene: DSG2 (desmoglein 2; plus strand). Cytogenetic location: 18q12.1.
Variant type: single nucleotide variant.
Coding change: c.1768G>C on transcript NM_001943.5 (MANE Select); coding-DNA position 1768, G replaced by C.
Protein change: p.Val590Leu; replaces valine 590 with leucine.
Molecular consequence: missense variant.
Genome position (GRCh38, 1-based): chr18:31,538,867, G>C. VCF-style: chr18-31538867-G-C. GRCh37 (hg19) VCF-style: chr18-29118830-G-C.
Other names: short protein forms V590L.
Identifiers: ClinVar variation 859338 (VCV000859338.14), dbSNP rs2073248446, ClinGen allele CA402137560.

ClinVar aggregate classification (germline): Uncertain significance. Review status: criteria provided, multiple submitters, no conflicts (2 of 4 stars). 4 submissions from 4 submitters: Uncertain significance (4). Last evaluated 2026-07-06.

Conditions:
Arrhythmogenic right ventricular dysplasia 10. Also called: Arrhythmogenic Right Ventricular Dysplasia/Cardiomyopathy10; ARRHYTHMOGENIC RIGHT VENTRICULAR DYSPLASIA, FAMILIAL, 10; Arrhythmogenic right ventricular dysplasia/cardiomyopathy, type 10. Identifiers: MedGen C1857777, MONDO:0012434, OMIM 610193.
Cardiovascular phenotype. Identifiers: MedGen CN230736.
Arrhythmogenic right ventricular cardiomyopathy (ARVD). Also called: Cardiomyopathy, ARVC; Arrhythmogenic right ventricular dysplasia; Arrhythmogenic cardiomyopathy; Arrhythmogenic Right Ventricular Cardiomyopathy (ARVC). Identifiers: Orphanet 247, MedGen C0349788, MeSH D019571, MONDO:0016587. Disease mechanism: loss of function. Inheritance: Various modes of inheritance.
Cardiomyopathy (CMYO). Also called: Cardiomyopathies. Identifiers: Orphanet 167848, MedGen C0878544, MONDO:0004994, HP:0001638. Inheritance: Various modes of inheritance.

Allele frequency attached by ClinVar (database versions not stated): TOPMed below 0.00001.
gnomAD v4.1: 3 of 1,614,034 alleles (0.00019%); highest among the groups gnomAD compares: South Asian, 0.0033%; no homozygotes.

Submissions (4):

Ambry Genetics
Classification: Uncertain significance for Cardiovascular phenotype. Last evaluated: 2026-07-06. Review status: criteria provided, single submitter. Criteria: Ambry Variant Classification Scheme 2023. Collection method: clinical testing. Allele origin: germline.
Comment: The p.V590L variant (also known as c.1768G>C), located in coding exon 12 of the DSG2 gene, results from a G to C substitution at nucleotide position 1768. The valine at codon 590 is replaced by leucine, an amino acid with highly similar properties. This amino acid position is conserved. In addition, the in silico prediction for this alteration is inconclusive. Based on the available evidence, the clinical significance of this variant remains unclear.

All of Us Research Program, National Institutes of Health
Classification: Uncertain significance for Arrhythmogenic right ventricular cardiomyopathy. Last evaluated: 2024-05-09. Review status: criteria provided, single submitter. Criteria: ACMG Guidelines, 2015. Collection method: clinical testing. Allele origin: germline. Inheritance: Autosomal dominant inheritance. Observed: 3 variant alleles, 3 heterozygotes.
Comment: Variant of Uncertain Significance due to insufficient evidence: This missense variant is located in the transmembrane domain of the DSG2 protein. Computational prediction tools and conservation analyses are inconclusive regarding the impact of this variant on the protein function. Computational splicing tools suggest that this variant may not impact RNA splicing. To our knowledge, functional assays have not been performed for this variant nor has this variant been reported in individuals affected with cardiovascular disorders in the literature. This variant is rare in the general population and has been identified in 0/277264 chromosomes by the Genome Aggregation Database (gnomAD). Available evidence is insufficient to determine the role of this variant in disease conclusively.

This study involves interpretation of variants in research participants for the purpose of population health screening. Participant phenotype was not available at the time of variant classification. Additional details can be found in publication PMID: 35346344, PMCID: PMC8962531

Color Diagnostics, LLC DBA Color Health
Classification: Uncertain significance for Cardiomyopathy. Last evaluated: 2024-03-06. Review status: criteria provided, single submitter. Criteria: ACMG Guidelines, 2015. Collection method: clinical testing. Allele origin: germline.
Comment: This missense variant replaces valine with leucine at codon 490 of the DSG2 protein. Computational prediction suggests that this variant may not impact protein structure and function (internally defined REVEL score threshold <= 0.5, PMID: 27666373). To our knowledge, functional studies have not been reported for this variant. This variant has not been reported in individuals affected with cardiovascular disorders in the literature. This variant has not been identified in the general population by the Genome Aggregation Database (gnomAD). The available evidence is insufficient to determine the role of this variant in disease conclusively. Therefore, this variant is classified as a Variant of Uncertain Significance.

Labcorp Genetics (formerly Invitae), Labcorp
Classification: Uncertain significance for Arrhythmogenic right ventricular dysplasia 10. Last evaluated: 2022-03-18. Review status: criteria provided, single submitter. Criteria: Invitae Variant Classification Sherloc (09022015). Collection method: clinical testing. Allele origin: germline.
Comment: This sequence change replaces valine, which is neutral and non-polar, with leucine, which is neutral and non-polar, at codon 590 of the DSG2 protein (p.Val590Leu). This variant is not present in population databases (gnomAD no frequency). This variant has not been reported in the literature in individuals affected with DSG2-related conditions. ClinVar contains an entry for this variant (Variation ID: 859338). Algorithms developed to predict the effect of missense changes on protein structure and function are either unavailable or do not agree on the potential impact of this missense change (SIFT: "Deleterious"; PolyPhen-2: "Benign"; Align-GVGD: "Class C0"). In summary, the available evidence is currently insufficient to determine the role of this variant in disease. Therefore, it has been classified as a Variant of Uncertain Significance.